The following is an entry in ClinVar:

ClinVar aggregate classification (germline): Uncertain significance (1 of 4 stars; one submission).

Conditions:
RASopathy. Also called: Noonan spectrum disorder; rasopathies. Identifiers: Orphanet 536391, MedGen C5555857, MONDO:0021060.

Submission:

Labcorp Genetics (formerly Invitae), Labcorp
Classification: Uncertain significance for RASopathy. Last evaluated: 2024-05-10. Review status: criteria provided, single submitter. Criteria: Invitae Variant Classification Sherloc (09022015). Collection method: clinical testing. Allele origin: germline.
Comment: This sequence change replaces phenylalanine, which is neutral and non-polar, with cysteine, which is neutral and slightly polar, at codon 342 of the MAP2K2 protein (p.Phe342Cys). This variant is not present in population databases (gnomAD no frequency). This variant has not been reported in the literature in individuals affected with MAP2K2-related conditions. Advanced modeling of protein sequence and biophysical properties (such as structural, functional, and spatial information, amino acid conservation, physicochemical variation, residue mobility, and thermodynamic stability) has been performed at Invitae for this missense variant, however the output from this modeling did not meet the statistical confidence thresholds required to predict the impact of this variant on MAP2K2 protein function. In summary, the available evidence is currently insufficient to determine the role of this variant in disease. Therefore, it has been classified as a Variant of Uncertain Significance.

NM_030662.4(MAP2K2):c.1025T>G (p.Phe342Cys)

Gene: MAP2K2 (mitogen-activated protein kinase kinase 2; minus strand). Cytogenetic location: 19p13.3.
Variant type: single nucleotide variant.
Coding change: c.1025T>G on transcript NM_030662.4 (MANE Select); coding-DNA position 1025, T replaced by G.
Protein change: p.Phe342Cys; replaces phenylalanine 342 with cysteine.
Molecular consequence: missense variant.
Genome position (GRCh38, 1-based): chr19:4,095,409, A>C on the plus strand (T>G on the coding strand, the complement: MAP2K2 is on the minus strand). VCF-style: chr19-4095409-A-C. GRCh37 (hg19) VCF-style: chr19-4095407-A-C.
Other names: short protein forms F342C.
Identifiers: ClinVar variation 3636793 (VCV003636793.2).